The following is an entry in ClinVar:

ClinVar aggregate classification (germline): Uncertain significance (1 of 4 stars; one submission).

Conditions:
RASopathy. Also called: rasopathies; Noonan spectrum disorder. Identifiers: Orphanet 536391, MedGen C5555857, MONDO:0021060.

Submission:

Labcorp Genetics (formerly Invitae), Labcorp
Classification: Uncertain significance for RASopathy. Last evaluated: 2019-01-03. Review status: criteria provided, single submitter. Criteria: Invitae Variant Classification Sherloc (09022015). Collection method: clinical testing. Allele origin: germline.
Comment: In summary, the available evidence is currently insufficient to determine the role of this variant in disease. Therefore, it has been classified as a Variant of Uncertain Significance. Algorithms developed to predict the effect of missense changes on protein structure and function (SIFT, PolyPhen-2, Align-GVGD) all suggest that this variant is likely to be tolerated, but these predictions have not been confirmed by published functional studies and their clinical significance is uncertain. This variant has not been reported in the literature in individuals with BRAF-related conditions. This variant is not present in population databases (ExAC no frequency). This sequence change replaces glutamic acid with aspartic acid at codon 275 of the BRAF protein (p.Glu275Asp). The glutamic acid residue is highly conserved and there is a small physicochemical difference between glutamic acid and aspartic acid.

NM_004333.6(BRAF):c.825A>T (p.Glu275Asp)

Gene: BRAF (B-Raf proto-oncogene, serine/threonine kinase; minus strand). Cytogenetic location: 7q34.
Variant type: single nucleotide variant.
Coding change: c.825A>T on transcript NM_004333.6 (MANE Select); coding-DNA position 825, A replaced by T.
Protein change: p.Glu275Asp; replaces glutamic acid 275 with aspartic acid.
Molecular consequence: missense variant.
Genome position (GRCh38, 1-based): chr7:140,801,447, T>A on the plus strand (A>T on the coding strand, the complement: BRAF is on the minus strand). VCF-style: chr7-140801447-T-A. GRCh37 (hg19) VCF-style: chr7-140501247-T-A.
Other names: c.825A>T, p.Glu275Asp (NM_001354609.2, NM_001374244.1, NM_001374258.1 and 4 more transcripts); c.834A>T, p.Glu278Asp (NM_001378467.1); c.723A>T, p.Glu241Asp (NM_001378470.1); c.669A>T, p.Glu223Asp (NM_001378472.1, NM_001378473.1); c.561A>T, p.Glu187Asp (NM_001378475.1); short protein forms E187D, E223D, E278D, E241D, E275D.
Identifiers: ClinVar variation 840703 (VCV000840703.9), dbSNP rs1803102591, ClinGen allele CA369590652.
Genomic context (GRCh38, chr7:140,801,447, plus strand): 5'-AAAGAGATATTTTTGGATTACTTACTCAAGTTGGTCATAATTAACACACATCAGTGGAAC[T>A]TCTGTACTACAACGCTGGTGAAATTTATAACCACATGTTTGACAGCGGAAACCCTGGAAA-3'
Protein context (NP_004324.2, residues 265-285): GYKFHQRCST[Glu275Asp]VPLMCVNYDQ